The following is an entry in ClinVar:

ClinVar aggregate classification (germline): Pathogenic (1 of 4 stars; one submission).

Conditions:
Hereditary breast ovarian cancer syndrome. Also called: Hereditary breast and/or ovarian cancer syndrome; Hereditary breast and ovarian cancer syndrome (HBOC); Breast and ovarian cancer; Hereditary breast and ovarian cancer; BRCA1- and BRCA2-Associated Hereditary Breast and Ovarian Cancer; Hereditary breast and ovarian cancer syndrome. Identifiers: Orphanet 145, MedGen C0677776, MeSH D061325, MONDO:0003582. Disease mechanism: loss of function.

Submission:

Labcorp Genetics (formerly Invitae), Labcorp
Classification: Pathogenic for Hereditary breast and ovarian cancer syndrome. Last evaluated: 2019-11-27. Review status: criteria provided, single submitter. Criteria: Invitae Variant Classification Sherloc (09022015). Collection method: clinical testing. Allele origin: germline.
Comment: This variant is a gross deletion of the genomic region encompassing exons 7-23 of the BRCA1 gene. The 5' boundary is likely confined to intron 6. The 3' end of this event is unknown as it extends through the termination codon beyond the assayed region for this gene and may encompass additional genes. While this deletion is not anticipated to result in nonsense mediated decay, it is expected to create a truncated BRCA1 protein by removing ~93% of the full-length protein. Loss-of-function variants including gross deletions in BRCA1 are known to be pathogenic. Deletion of exons 7-23 has been reported in the literature in an individual with breast cancer (PMID: 16551709), and is referred to as a deletion of exons 8-24. For these reasons, this variant has been classified as Pathogenic.

Literature cited by the submitters: PubMed 16551709.

NC_000017.11:g.(?_43044336)_(43099904_?)del

Gene: BRCA1 (BRCA1 DNA repair associated; minus strand). Cytogenetic location: 17q21.31.
Variant type: Deletion.
Identifiers: ClinVar variation 832385 (VCV000832385.1).